The following is an entry in ClinVar:

NM_172362.3(KCNH1):c.2912T>G (p.Phe971Cys)

Gene: KCNH1 (potassium voltage-gated channel subfamily H member 1; minus strand). Cytogenetic location: 1q32.2.
Variant type: single nucleotide variant.
Coding change: c.2912T>G on transcript NM_172362.3 (MANE Select); coding-DNA position 2912, T replaced by G.
Protein change: p.Phe971Cys; replaces phenylalanine 971 with cysteine.
Molecular consequence: missense variant.
Genome position (GRCh38, 1-based): chr1:210,683,339, A>C on the plus strand (T>G on the coding strand, the complement: KCNH1 is on the minus strand). VCF-style: chr1-210683339-A-C. GRCh37 (hg19) VCF-style: chr1-210856681-A-C.
Other names: c.2831T>G, p.Phe944Cys (NM_002238.4); c.2912T>G (NM_172362.2); short protein forms F944C, F971C.
Identifiers: ClinVar variation 1417325 (VCV001417325.7), dbSNP rs1681319872, ClinGen allele CA344870155.

ClinVar aggregate classification (germline): Uncertain significance. Review status: criteria provided, multiple submitters, no conflicts (2 of 4 stars). 2 submissions from 2 submitters: Uncertain significance (2). Last evaluated 2024-03-05.

Allele frequency attached by ClinVar (database versions not stated): gnomAD exomes below 0.00001; TOPMed below 0.00001.
gnomAD v4.1: 3 of 1,614,030 alleles (0.00019%); highest among the groups gnomAD compares: African/African-American, 0.0013%; no homozygotes.

Submissions (2):

GeneDx
Classification: Uncertain significance. Last evaluated: 2024-03-05. Review status: criteria provided, single submitter. Criteria: GeneDx Variant Classification Process June 2021. Collection method: clinical testing. Allele origin: germline. Affected: yes.
Comment: Not observed at significant frequency in large population cohorts (gnomAD); In silico analysis supports that this missense variant does not alter protein structure/function; Has not been previously published as pathogenic or benign to our knowledge

Labcorp Genetics (formerly Invitae), Labcorp
Classification: Uncertain significance. Last evaluated: 2022-06-13. Review status: criteria provided, single submitter. Criteria: Invitae Variant Classification Sherloc (09022015). Collection method: clinical testing. Allele origin: germline.
Comment: In summary, the available evidence is currently insufficient to determine the role of this variant in disease. Therefore, it has been classified as a Variant of Uncertain Significance. Advanced modeling of protein sequence and biophysical properties (such as structural, functional, and spatial information, amino acid conservation, physicochemical variation, residue mobility, and thermodynamic stability) performed at Invitae indicates that this missense variant is not expected to disrupt KCNH1 protein function. This variant has not been reported in the literature in individuals affected with KCNH1-related conditions. This variant is not present in population databases (gnomAD no frequency). This sequence change replaces phenylalanine, which is neutral and non-polar, with cysteine, which is neutral and slightly polar, at codon 971 of the KCNH1 protein (p.Phe971Cys).